The following is an entry in ClinVar:

ClinVar aggregate classification (germline): Conflicting classifications of pathogenicity. Review status: criteria provided, conflicting classifications (1 of 4 stars). 4 submissions from 4 submitters: Uncertain significance (3); Likely benign (1). Last evaluated 2025-09-24.

Conditions:
Hereditary cancer-predisposing syndrome. Also called: Neoplastic Syndromes, Hereditary; Hereditary Cancer Syndrome; Hereditary neoplastic syndrome; Tumor predisposition. Identifiers: Orphanet 140162, MedGen C0027672, MeSH D009386, MONDO:0015356.
Familial cancer of breast. Also called: BREAST CANCER, FAMILIAL; Hereditary breast cancer; hereditary breast carcinoma. Identifiers: Orphanet 227535, MedGen C0346153, MONDO:0016419, OMIM 114480. Disease mechanism: loss of function.

Allele frequency attached by ClinVar (database versions not stated): gnomAD exomes 0.00001.
gnomAD v4.1: 3 of 1,614,126 alleles (0.00019%); highest among the groups gnomAD compares: Admixed American, 0.005%; no homozygotes.

Submissions (4):

Labcorp Genetics (formerly Invitae), Labcorp
Classification: Uncertain significance for Familial cancer of breast. Last evaluated: 2025-09-24. Review status: criteria provided, single submitter. Criteria: Invitae Variant Classification Sherloc (09022015). Collection method: clinical testing. Allele origin: germline.
Comment: This sequence change replaces threonine, which is neutral and polar, with alanine, which is neutral and non-polar, at codon 589 of the PALB2 protein (p.Thr589Ala). This variant is present in population databases (no rsID available, gnomAD 0.009%). This variant has not been reported in the literature in individuals affected with PALB2-related conditions. ClinVar contains an entry for this variant (Variation ID: 460910). Invitae Evidence Modeling of protein sequence and biophysical properties (such as structural, functional, and spatial information, amino acid conservation, physicochemical variation, residue mobility, and thermodynamic stability) indicates that this missense variant is not expected to disrupt PALB2 protein function with a negative predictive value of 80%. In summary, the available evidence is currently insufficient to determine the role of this variant in disease. Therefore, it has been classified as a Variant of Uncertain Significance.

Quest Diagnostics Nichols Institute San Juan Capistrano
Classification: Uncertain significance. Last evaluated: 2024-04-01. Review status: criteria provided, single submitter. Criteria: Quest Diagnostics criteria. Collection method: clinical testing. Allele origin: unknown.
Comment: The PALB2 c.1765A>G (p.Thr589Ala) variant has not been reported in individuals with PALB2-related conditions in the published literature. The frequency of this variant in the general population, 0.000087 (3/34564 chromosomes (Genome Aggregation Database)), is uninformative in the assessment of its pathogenicity. Analysis of this variant using bioinformatics tools for the prediction of the effect of amino acid changes on protein structure and function yielded predictions that this variant is benign. Based on the available information, we are unable to determine the clinical significance of this variant.

Ambry Genetics
Classification: Likely benign for Hereditary cancer-predisposing syndrome. Last evaluated: 2024-03-27. Review status: criteria provided, single submitter. Criteria: Ambry Variant Classification Scheme 2023. Collection method: clinical testing. Allele origin: germline.

Color Diagnostics, LLC DBA Color Health
Classification: Uncertain significance for Hereditary cancer-predisposing syndrome. Last evaluated: 2023-10-30. Review status: criteria provided, single submitter. Criteria: ACMG Guidelines, 2015. Collection method: clinical testing. Allele origin: germline.
Comment: This missense variant replaces threonine with alanine at codon 589 of the PALB2 protein. Computational prediction suggests that this variant may not impact protein structure and function (internally defined REVEL score threshold <= 0.5, PMID: 27666373). To our knowledge, functional studies have not been reported for this variant. This variant has not been reported in individuals affected with PALB2-related disorders in the literature. This variant has been identified in 3/250928 chromosomes in the general population by the Genome Aggregation Database (gnomAD). The available evidence is insufficient to determine the role of this variant in disease conclusively. Therefore, this variant is classified as a Variant of Uncertain Significance.

NM_024675.4(PALB2):c.1765A>G (p.Thr589Ala)

Gene: PALB2 (partner and localizer of BRCA2; minus strand). Cytogenetic location: 16p12.2.
Variant type: single nucleotide variant.
Coding change: c.1765A>G on transcript NM_024675.4 (MANE Select); coding-DNA position 1765, A replaced by G.
Protein change: p.Thr589Ala; replaces threonine 589 with alanine.
Molecular consequence: missense variant.
Genome position (GRCh38, 1-based): chr16:23,630,389, T>C on the plus strand (A>G on the coding strand, the complement: PALB2 is on the minus strand). VCF-style: chr16-23630389-T-C. GRCh37 (hg19) VCF-style: chr16-23641710-T-C.
Other names: short protein forms T589A.
Identifiers: ClinVar variation 460910 (VCV000460910.22), dbSNP rs1437053825, ClinGen allele CA395128203.